The following is an entry in ClinVar:

ClinVar aggregate classification (germline): Uncertain significance (1 of 4 stars; one submission).

Conditions:
Epileptic encephalopathy. Identifiers: MedGen C0543888, HP:0200134.

Allele frequency attached by ClinVar (database versions not stated): gnomAD 0.00003; TOPMed 0.00004; ExAC 0.00009; gnomAD exomes 0.00011.
gnomAD v4.1: 37 of 1,609,908 alleles (0.0023%); highest among the groups gnomAD compares: Admixed American, 0.04%; no homozygotes.

Submission:

Labcorp Genetics (formerly Invitae), Labcorp
Classification: Uncertain significance for Epileptic encephalopathy. Last evaluated: 2025-06-10. Review status: criteria provided, single submitter. Criteria: Invitae Variant Classification Sherloc (09022015). Collection method: clinical testing. Allele origin: germline.
Comment: This sequence change replaces alanine, which is neutral and non-polar, with valine, which is neutral and non-polar, at codon 1858 of the FASN protein (p.Ala1858Val). This variant is present in population databases (rs376946680, gnomAD 0.06%), and has an allele count higher than expected for a pathogenic variant. This variant has not been reported in the literature in individuals affected with FASN-related conditions. ClinVar contains an entry for this variant (Variation ID: 462078). An algorithm developed to predict the effect of missense changes on protein structure and function (PolyPhen-2) suggests that this variant is likely to be tolerated. In summary, the available evidence is currently insufficient to determine the role of this variant in disease. Therefore, it has been classified as a Variant of Uncertain Significance.

NM_004104.5(FASN):c.5573C>T (p.Ala1858Val)

Gene: FASN (fatty acid synthase; minus strand). Cytogenetic location: 17q25.3.
Variant type: single nucleotide variant.
Coding change: c.5573C>T on transcript NM_004104.5 (MANE Select); coding-DNA position 5573, C replaced by T.
Protein change: p.Ala1858Val; replaces alanine 1858 with valine.
Molecular consequence: missense variant.
Genome position (GRCh38, 1-based): chr17:82,083,108, G>A on the plus strand (C>T on the coding strand, the complement: FASN is on the minus strand). VCF-style: chr17-82083108-G-A. GRCh37 (hg19) VCF-style: chr17-80040984-G-A.
Other names: short protein forms A1858V.
Identifiers: ClinVar variation 462078 (VCV000462078.11), dbSNP rs376946680, ClinGen allele CA8851627.
Genomic context (GRCh38, chr17:82,083,108, plus strand): 5'-TTGGAGATGGCCGACATCAGCTTGGGTTTGGCCCCCTTCAGCACTGCCTCCGGCTCCTCC[G>A]CAAGCACCTGCGTCCAAGCAGCACCCACCGGCTCAGGCACTGCCTGGGGACCAGAGCCTG-3'
Protein context (NP_004095.4, residues 1848-1868): HIGKVVVQVL[Ala1858Val]EEPEAVLKGA